The following is an entry in ClinVar:

ClinVar aggregate classification (germline): Likely pathogenic (1 of 4 stars; one submission).

Conditions:
Tibial muscular dystrophy (TMD). Also called: UDD MYOPATHY; Udd Distal Myopathy – Tibial Muscular Dystrophy; Tibial muscular dystrophy, tardive. Identifiers: Orphanet 609, MedGen C1838244, MONDO:0010870, OMIM 600334.
Myopathy, myofibrillar, 9, with early respiratory failure (MFM9). Also called: MYOPATHY, PROXIMAL, WITH EARLY RESPIRATORY MUSCLE INVOLVEMENT; Hereditary myopathy with early respiratory failure; EDSTROM MYOPATHY; Myopathy, distal, with early respiratory failure, autosomal dominant. Identifiers: Orphanet 178464, Orphanet 34521, MedGen C1863599, MONDO:0011362, OMIM 603689.
Autosomal recessive limb-girdle muscular dystrophy type 2J (LGMDR10). Also called: Limb-girdle muscular dystrophy, type 2J; MUSCULAR DYSTROPHY, LIMB-GIRDLE, AUTOSOMAL RECESSIVE 10. Identifiers: Orphanet 140922, MedGen C1837342, MONDO:0012127, OMIM 608807.
Primary dilated cardiomyopathy (DCM). Also called: Dilated Cardiomyopathy. Identifiers: Orphanet 217604, MedGen C0007193, MeSH D002311, MONDO:0005021, HP:0001644. Inheritance: Various modes of inheritance.
Dilated cardiomyopathy 1G (CMD1G). Identifiers: Orphanet 154, MedGen C1858763, MONDO:0011400, OMIM 604145.

Submission:

Labcorp Genetics (formerly Invitae), Labcorp
Classification: Likely pathogenic for Dilated cardiomyopathy 1G; Autosomal recessive limb-girdle muscular dystrophy type 2J. Last evaluated: 2025-09-15. Review status: criteria provided, single submitter. Criteria: Invitae Variant Classification Sherloc (09022015). Collection method: clinical testing. Allele origin: germline.
Comment: This sequence change creates a premature translational stop signal (p.Pro17150Hisfs*3) in the TTN gene. While this is not anticipated to result in nonsense mediated decay, it is expected to create a truncated TTN protein. This variant is not present in population databases (gnomAD no frequency). This variant has not been reported in the literature in individuals affected with TTN-related conditions. ClinVar contains an entry for this variant (Variation ID: 1067630). This variant is located in the A band of TTN (PMID: 25589632). Truncating variants in this region are significantly overrepresented in patients affected with dilated cardiomyopathy (PMID: 25589632). Truncating variants in this region have also been reported in individuals affected with autosomal recessive centronuclear myopathy (PMID: 23975875). In summary, the currently available evidence indicates that the variant is pathogenic, but additional data are needed to prove that conclusively. Therefore, this variant has been classified as Likely Pathogenic.

Literature cited by the submitters: PubMed 25589632 (cited by Labcorp Genetics (formerly Invitae), Labcorp); PubMed 23975875 (cited by Labcorp Genetics (formerly Invitae), Labcorp).

NM_001267550.2(TTN):c.51449del (p.Pro17150fs)

Genes: TTN (titin; minus strand), TTN-AS1 (TTN antisense RNA 1; plus strand). Cytogenetic location: 2q31.2.
Variant type: Deletion.
Coding change: c.51449del on transcript NM_001267550.2 (MANE Select); coding-DNA position 51449, one base deleted (C; older notation c.51449delC).
Protein change: p.Pro17150fs; shifts the reading frame from proline 17150.
Molecular consequence: frameshift variant.
Genome position (GRCh38, 1-based): chr2:178,609,974, G deleted on the plus strand (C on the coding strand, the reverse complement: TTN is on the minus strand); the first of 2 consecutive G bases (chr2:178,609,974-178,609,975); deleting either gives the same sequence. VCF-style (leftmost placement, unchanged base first): chr2-178609973-TG-T. GRCh37 (hg19) VCF-style: chr2-179474700-TG-T.
Other names: c.46526del, p.Pro15509fs (NM_001256850.1); c.24254del, p.Pro8085fs (NM_003319.4); c.43745del, p.Pro14582fs (NM_133378.4); c.24629del, p.Pro8210fs (NM_133432.3); c.24830del, p.Pro8277fs (NM_133437.4); short protein forms P14582fs, P15509fs, P17150fs, P8085fs, P8210fs, P8277fs.
Identifiers: ClinVar variation 1067630 (VCV001067630.12), dbSNP rs2055912067, ClinGen allele CA1039713187.